The following is an entry in ClinVar:

NM_006922.4(SCN3A):c.4332G>T (p.Met1444Ile)

Gene: SCN3A (sodium voltage-gated channel alpha subunit 3; minus strand). Cytogenetic location: 2q24.3.
Variant type: single nucleotide variant.
Coding change: c.4332G>T on transcript NM_006922.4 (MANE Select); coding-DNA position 4332, G replaced by T.
Protein change: p.Met1444Ile; replaces methionine 1444 with isoleucine.
Molecular consequence: missense variant.
Genome position (GRCh38, 1-based): chr2:165,095,610, C>A on the plus strand (G>T on the coding strand, the complement: SCN3A is on the minus strand). VCF-style: chr2-165095610-C-A. GRCh37 (hg19) VCF-style: chr2-165952120-C-A.
Other names: c.4185G>T, p.Met1395Ile (NM_001081676.2, NM_001081677.2); short protein forms M1395I, M1444I.
Identifiers: ClinVar variation 1393400 (VCV001393400.8), dbSNP rs2105640921, ClinGen allele CA349023693.

ClinVar aggregate classification (germline): Uncertain significance (1 of 4 stars; one submission).

Submission:

Labcorp Genetics (formerly Invitae), Labcorp
Classification: Uncertain significance. Last evaluated: 2022-07-25. Review status: criteria provided, single submitter. Criteria: Invitae Variant Classification Sherloc (09022015). Collection method: clinical testing. Allele origin: germline.
Comment: In summary, the available evidence is currently insufficient to determine the role of this variant in disease. Therefore, it has been classified as a Variant of Uncertain Significance. This sequence change replaces methionine, which is neutral and non-polar, with isoleucine, which is neutral and non-polar, at codon 1444 of the SCN3A protein (p.Met1444Ile). This variant is not present in population databases (gnomAD no frequency). This variant has not been reported in the literature in individuals affected with SCN3A-related conditions. ClinVar contains an entry for this variant (Variation ID: 1393400). Algorithms developed to predict the effect of missense changes on protein structure and function (SIFT, PolyPhen-2, Align-GVGD) all suggest that this variant is likely to be tolerated.